The following is an entry in ClinVar:

ClinVar aggregate classification (germline): Conflicting classifications of pathogenicity. Review status: criteria provided, conflicting classifications (1 of 4 stars). 2 submissions from 2 submitters: Uncertain significance (1); Likely benign (1). Last evaluated 2025-06-10.

Allele frequency attached by ClinVar (database versions not stated): gnomAD 0.00002; ExAC 0.00003; gnomAD exomes 0.00003.
gnomAD v4.1: 43 of 1,613,528 alleles (0.0027%); highest among the groups gnomAD compares: Middle Eastern, 0.12%; no homozygotes.

Submissions (2):

Labcorp Genetics (formerly Invitae), Labcorp
Classification: Uncertain significance. Last evaluated: 2025-06-10. Review status: criteria provided, single submitter. Criteria: Invitae Variant Classification Sherloc (09022015). Collection method: clinical testing. Allele origin: germline.
Comment: This sequence change replaces arginine, which is basic and polar, with glutamine, which is neutral and polar, at codon 336 of the SLC22A4 protein (p.Arg336Gln). This variant is present in population databases (rs762018264, gnomAD 0.006%). This variant has not been reported in the literature in individuals affected with SLC22A4-related conditions. ClinVar contains an entry for this variant (Variation ID: 1431847). Invitae Evidence Modeling of protein sequence and biophysical properties (such as structural, functional, and spatial information, amino acid conservation, physicochemical variation, residue mobility, and thermodynamic stability) indicates that this missense variant is not expected to disrupt SLC22A4 protein function with a negative predictive value of 80%. In summary, the available evidence is currently insufficient to determine the role of this variant in disease. Therefore, it has been classified as a Variant of Uncertain Significance.

Ambry Genetics
Classification: Likely benign. Last evaluated: 2022-06-17. Review status: criteria provided, single submitter. Criteria: Ambry Variant Classification Scheme 2023. Collection method: clinical testing. Allele origin: germline.

NM_003059.3(SLC22A4):c.1007G>A (p.Arg336Gln)

Genes: MIR3936HG (MIR3936 host gene; minus strand), SLC22A4 (solute carrier family 22 member 4; plus strand). Cytogenetic location: 5q31.1.
Variant type: single nucleotide variant.
Coding change: c.1007G>A on transcript NM_003059.3 (MANE Select); coding-DNA position 1007, G replaced by A.
Protein change: p.Arg336Gln; replaces arginine 336 with glutamine.
Molecular consequence: missense variant.
Genome position (GRCh38, 1-based): chr5:132,331,811, G>A. VCF-style: chr5-132331811-G-A. GRCh37 (hg19) VCF-style: chr5-131667504-G-A.
Other names: c.1007G>A (NM_003059.2); short protein forms R336Q.
Identifiers: ClinVar variation 1431847 (VCV001431847.7), dbSNP rs762018264, ClinGen allele CA3403566.